The following is an entry in ClinVar:

NM_005751.5(AKAP9):c.9952A>G (p.Arg3318Gly)

Gene: AKAP9 (A-kinase anchoring protein 9; plus strand). Cytogenetic location: 7q21.2.
Variant type: single nucleotide variant.
Coding change: c.9952A>G on transcript NM_005751.5 (MANE Select); coding-DNA position 9952, A replaced by G.
Protein change: p.Arg3318Gly; replaces arginine 3318 with glycine.
Molecular consequence: missense variant.
Genome position (GRCh38, 1-based): chr7:92,096,911, A>G. VCF-style: chr7-92096911-A-G. GRCh37 (hg19) VCF-style: chr7-91726225-A-G.
Other names: c.4597A>G, p.Arg1533Gly (NM_001379277.1); c.9928A>G, p.Arg3310Gly (NM_147185.3); short protein forms R1533G, R3310G, R3318G.
Identifiers: ClinVar variation 2913162 (VCV002913162.4), dbSNP rs2535299890, ClinGen allele CA368152232.

ClinVar aggregate classification (germline): Conflicting classifications of pathogenicity. Review status: criteria provided, conflicting classifications (1 of 4 stars). 2 submissions from 2 submitters: Uncertain significance (1); Likely benign (1). Last evaluated 2025-03-13.

Conditions:
Cardiovascular phenotype. Identifiers: MedGen CN230736.
Long QT syndrome (LQTS). Identifiers: MedGen C0023976, MeSH D008133, MONDO:0002442. Disease mechanism: loss of function. Inheritance: Various modes of inheritance.

Allele frequency attached by ClinVar (database versions not stated): gnomAD exomes below 0.00001.
gnomAD v4.1: 2 of 1,614,228 alleles (0.00012%); highest among the groups gnomAD compares: Non-Finnish European, 0.00017%; no homozygotes.

Submissions (2):

Ambry Genetics
Classification: Likely benign for Cardiovascular phenotype. Last evaluated: 2025-03-13. Review status: criteria provided, single submitter. Criteria: Ambry Variant Classification Scheme 2023. Collection method: clinical testing. Allele origin: germline.

Labcorp Genetics (formerly Invitae), Labcorp
Classification: Uncertain significance for Long QT syndrome. Last evaluated: 2023-04-22. Review status: criteria provided, single submitter. Criteria: Invitae Variant Classification Sherloc (09022015). Collection method: clinical testing. Allele origin: germline.
Comment: In summary, the available evidence is currently insufficient to determine the role of this variant in disease. Therefore, it has been classified as a Variant of Uncertain Significance. An algorithm developed to predict the effect of missense changes on protein structure and function (PolyPhen-2) suggests that this variant is likely to be disruptive. This variant has not been reported in the literature in individuals affected with AKAP9-related conditions. This variant is not present in population databases (gnomAD no frequency). This sequence change replaces arginine, which is basic and polar, with glycine, which is neutral and non-polar, at codon 3318 of the AKAP9 protein (p.Arg3318Gly).